The following is an entry in ClinVar:

ClinVar aggregate classification (germline): Uncertain significance (1 of 4 stars; one submission).

gnomAD v4.1: 6 of 1,612,078 alleles (0.00037%); highest among the groups gnomAD compares: Admixed American, 0.0033%; no homozygotes.

Submission:

Labcorp Genetics (formerly Invitae), Labcorp
Classification: Uncertain significance. Last evaluated: 2025-08-30. Review status: criteria provided, single submitter. Criteria: Invitae Variant Classification Sherloc (09022015). Collection method: clinical testing. Allele origin: germline.
Comment: This sequence change creates a premature translational stop signal (p.Tyr67*) in the TOP1MT gene. It is expected to result in an absent or disrupted protein product. However, the current clinical and genetic evidence is not sufficient to establish whether loss-of-function variants in TOP1MT cause disease. This variant is present in population databases (no rsID available, gnomAD 0.003%). This variant has not been reported in the literature in individuals affected with TOP1MT-related conditions. In summary, the available evidence is currently insufficient to determine the role of this variant in disease. Therefore, it has been classified as a Variant of Uncertain Significance.

NM_052963.3(TOP1MT):c.201C>G (p.Tyr67Ter)

Gene: TOP1MT (DNA topoisomerase I mitochondrial; minus strand). Cytogenetic location: 8q24.3.
Variant type: single nucleotide variant.
Coding change: c.201C>G on transcript NM_052963.3 (MANE Select); coding-DNA position 201, C replaced by G.
Protein change: p.Tyr67Ter; replaces tyrosine 67 with a stop codon.
Molecular consequence: nonsense. On other transcripts: 5 prime UTR variant (2).
Genome position (GRCh38, 1-based): chr8:143,331,261, G>C on the plus strand (C>G on the coding strand, the complement: TOP1MT is on the minus strand). VCF-style: chr8-143331261-G-C. GRCh37 (hg19) VCF-style: chr8-144413431-G-C.
Other names: c.-94C>G (NM_001258446.1, NM_001258447.1); short protein forms Y67*.
Identifiers: ClinVar variation 4753100 (VCV004753100.1).